The following is an entry in ClinVar:

NM_016373.4(WWOX):c.953C>T (p.Ser318Leu)

Gene: WWOX (WW domain containing oxidoreductase; plus strand). Cytogenetic location: 16q23.1.
Variant type: single nucleotide variant.
Coding change: c.953C>T on transcript NM_016373.4 (MANE Select); coding-DNA position 953, C replaced by T.
Protein change: p.Ser318Leu; replaces serine 318 with leucine.
Molecular consequence: missense variant.
Genome position (GRCh38, 1-based): chr16:78,432,649, C>T. VCF-style: chr16-78432649-C-T. GRCh37 (hg19) VCF-style: chr16-78466546-C-T.
Other names: c.614C>T, p.Ser205Leu (NM_001291997.2); short protein forms S318L, S205L.
Identifiers: ClinVar variation 574528 (VCV000574528.16), dbSNP rs770023814, ClinGen allele CA8183575.

ClinVar aggregate classification (germline): Conflicting classifications of pathogenicity. Review status: criteria provided, conflicting classifications (1 of 4 stars). 5 submissions from 5 submitters: Likely pathogenic (2); Uncertain significance (3). Last evaluated 2026-07-15.

Conditions:
Developmental and epileptic encephalopathy, 1 (DEE1). Also called: X-linked infantile spasms; West's syndrome; Tonic spasms with clustering, arrest of psychomotor development and hypsarrhythmia on EEG; X-Linked Infantile Spasm Syndrome; OHTAHARA SYNDROME, X-LINKED; INFANTILE SPASM SYNDROME, X-LINKED 1. Identifiers: MedGen C3463992, MONDO:0010632, OMIM 308350. Disease mechanism: loss of function.
Autosomal recessive spinocerebellar ataxia 12. Also called: SPINOCEREBELLAR ATAXIA WITH MENTAL RETARDATION AND EPILEPSY. Identifiers: Orphanet 284282, MedGen C3280452, MONDO:0013687, OMIM 614322.
Developmental and epileptic encephalopathy, 28 (DEE28). Also called: Epileptic encephalopathy, early infantile, 28. Identifiers: Orphanet 442835, MedGen C4015519, MONDO:0014533, OMIM 616211.

Allele frequency attached by ClinVar (database versions not stated): gnomAD 0.00002 and 0.00003; TOPMed 0.00002.
gnomAD v4.1: 19 of 1,614,092 alleles (0.0012%); highest among the groups gnomAD compares: Non-Finnish European, 0.0015%; no homozygotes.

Submissions (5):

GeneDx
Classification: Likely pathogenic. Last evaluated: 2026-07-15. Review status: criteria provided, single submitter. Criteria: GeneDx Variant Classification Process June 2021. Collection method: clinical testing. Allele origin: germline.
Comment: Not observed at significant frequency in large population cohorts (gnomAD); In silico analysis suggests that this missense variant does not alter protein structure/function; This variant is associated with the following publications: (PMID: 24932569, 30356099, 42193054, 25411445, 39039877, 40875931)

Kids Research, The Children's Hospital at Westmead
Classification: Likely pathogenic for Developmental and epileptic encephalopathy, 28. Last evaluated: 2024-09-20. Review status: criteria provided, single submitter. Criteria: ACMG Guidelines, 2015. Collection method: research. Allele origin: germline. Affected: yes.
Comment: PM2, PP5_Moderate, PM3

Blueprint Genetics
Classification: Uncertain significance. Last evaluated: 2023-01-13. Review status: criteria provided, single submitter. Criteria: ACMG Guidelines, 2015. Collection method: clinical testing. Allele origin: germline.

Labcorp Genetics (formerly Invitae), Labcorp
Classification: Uncertain significance for Developmental and epileptic encephalopathy, 1; Autosomal recessive spinocerebellar ataxia 12. Last evaluated: 2022-06-14. Review status: criteria provided, single submitter. Criteria: Invitae Variant Classification Sherloc (09022015). Collection method: clinical testing. Allele origin: germline.
Comment: This sequence change replaces serine, which is neutral and polar, with leucine, which is neutral and non-polar, at codon 318 of the WWOX protein (p.Ser318Leu). This variant is present in population databases (rs770023814, gnomAD 0.007%). This missense change has been observed in individual(s) with WWOX-related disorders (PMID: 30356099). In at least one individual the data is consistent with being in trans (on the opposite chromosome) from a pathogenic variant. ClinVar contains an entry for this variant (Variation ID: 574528). Algorithms developed to predict the effect of missense changes on protein structure and function are either unavailable or do not agree on the potential impact of this missense change (SIFT: "Not Available"; PolyPhen-2: "Benign"; Align-GVGD: "Not Available"). In summary, the available evidence is currently insufficient to determine the role of this variant in disease. Therefore, it has been classified as a Variant of Uncertain Significance.

CENTOGENE GmbH and LLC - Guiding Precision Medicine
Classification: Uncertain significance for Developmental and epileptic encephalopathy, 28. Last evaluated: 2021-05-25. Review status: criteria provided, single submitter. Criteria: ACMG Guidelines, 2015. Collection method: clinical testing. Allele origin: maternal. Affected: yes.

Literature cited by the submitters: PubMed 30356099 (cited by Labcorp Genetics (formerly Invitae), Labcorp).